The following is an entry in ClinVar:

ClinVar aggregate classification (germline): Uncertain significance. Review status: criteria provided, multiple submitters, no conflicts (2 of 4 stars). 2 submissions from 2 submitters: Uncertain significance (2). Last evaluated 2025-04-10.

Conditions:
FLNB-related disorder. Also called: FLNB-related disorders; FLNB-related condition. Identifiers: MedGen CN381095.

gnomAD v4.1: 1 of 1,614,234 alleles (0.000062%); highest among the groups gnomAD compares: Non-Finnish European, 0.000085%; no homozygotes.

Submissions (2):

Labcorp Genetics (formerly Invitae), Labcorp
Classification: Uncertain significance. Last evaluated: 2025-04-10. Review status: criteria provided, single submitter. Criteria: Invitae Variant Classification Sherloc (09022015). Collection method: clinical testing. Allele origin: germline.
Comment: This sequence change replaces leucine, which is neutral and non-polar, with methionine, which is neutral and non-polar, at codon 1749 of the FLNB protein (p.Leu1749Met). This variant is not present in population databases (gnomAD no frequency). This variant has not been reported in the literature in individuals affected with FLNB-related conditions. ClinVar contains an entry for this variant (Variation ID: 1720596). Invitae Evidence Modeling of protein sequence and biophysical properties (such as structural, functional, and spatial information, amino acid conservation, physicochemical variation, residue mobility, and thermodynamic stability) indicates that this missense variant is not expected to disrupt FLNB protein function with a negative predictive value of 95%. In summary, the available evidence is currently insufficient to determine the role of this variant in disease. Therefore, it has been classified as a Variant of Uncertain Significance.

PreventionGenetics, part of Exact Sciences
Classification: Uncertain significance for FLNB-related condition. Last evaluated: 2025-01-19. Review status: criteria provided, single submitter. Criteria: ACMG Guidelines, 2015. Collection method: clinical testing. Allele origin: germline.
Comment: The FLNB c.5245C>A variant is predicted to result in the amino acid substitution p.Leu1749Met. To our knowledge, this variant has not been reported in the literature or in a large population database (gnomAD), indicating this variant is rare. At this time, the clinical significance of this variant is uncertain due to the absence of conclusive functional and genetic evidence.

NM_001457.4(FLNB):c.5245C>A (p.Leu1749Met)

Gene: FLNB (filamin B; plus strand). Cytogenetic location: 3p14.3.
Variant type: single nucleotide variant.
Coding change: c.5245C>A on transcript NM_001457.4 (MANE Select); coding-DNA position 5245, C replaced by A.
Protein change: p.Leu1749Met; replaces leucine 1749 with methionine.
Molecular consequence: missense variant.
Genome position (GRCh38, 1-based): chr3:58,142,713, C>A. VCF-style: chr3-58142713-C-A. GRCh37 (hg19) VCF-style: chr3-58128440-C-A.
Other names: c.5338C>A, p.Leu1780Met (NM_001164317.2); c.5212C>A, p.Leu1738Met (NM_001164318.2); c.5173C>A, p.Leu1725Met (NM_001164319.2); c.5245C>A (NM_001457.3); short protein forms L1725M, L1738M, L1749M, L1780M.
Identifiers: ClinVar variation 1720596 (VCV001720596.6), dbSNP rs1261971364, ClinGen allele CA353353584.